The following is an entry in ClinVar:

ClinVar aggregate classification (germline): Likely benign (1 of 4 stars; one submission).

Allele frequency attached by ClinVar (database versions not stated): ExAC 0.00043; 1000 Genomes Project 30x 0.00062.

Submission:

CeGaT Center for Human Genetics Tuebingen
Classification: Likely benign. Last evaluated: 2022-12-01. Review status: criteria provided, single submitter. Criteria: CeGaT Center For Human Genetics Tuebingen Variant Classification Criteria Version 2. Collection method: clinical testing. Allele origin: germline. Affected: yes. Observed: 1 variant allele.
Comment: TPSB2: BP4, BP7

NM_024164.6(TPSB2):c.255C>T (p.Ala85=)

Gene: TPSB2 (tryptase beta 2; minus strand). Cytogenetic location: 16p13.3.
Variant type: single nucleotide variant.
Coding change: c.255C>T on transcript NM_024164.6 (MANE Select); coding-DNA position 255, C replaced by T.
Protein change: p.Ala85=; no amino-acid change (alanine 85 retained).
Molecular consequence: synonymous variant.
Genome position (GRCh38, 1-based): chr16:1,229,435, G>A on the plus strand (C>T on the coding strand, the complement: TPSB2 is on the minus strand). VCF-style: chr16-1229435-G-A. GRCh37 (hg19) VCF-style: chr16-1279436-G-A.
Identifiers: ClinVar variation 2645886 (VCV002645886.24), dbSNP rs779687992, ClinGen allele CA7803363.
Genomic context (GRCh38, chr16:1,229,435, plus strand): 5'-GCTGACCGGCAGCAGCTGGTCCTGGTAGTAGAGGTGCTGCTCCCGCAGTTGCACCCTGAG[G>A]GCGGCCAGATCCTTGACGTCCCTGGGCAGCGGAGGATCCCACTCAGGGCCCTGGGCAGCC-3'
Protein context (NP_077078.5, residues 75-95): CVGPDVKDLA[Ala85=]LRVQLREQHL